The following is an entry in ClinVar:

ClinVar aggregate classification (germline): Pathogenic (1 of 4 stars; one submission).

Submission:

GeneDx
Classification: Pathogenic. Last evaluated: 2017-10-26. Review status: criteria provided, single submitter. Criteria: GeneDx Variant Classification (06012015). Collection method: clinical testing. Allele origin: germline. Affected: yes.
Comment: While the c.2080_2082delATGinsGTA nucleotide change has not been published previously to our knowledge, M694V is the most common FMF-associated pathogenic variant. In a series of 90 patients of different ethnic groups, M694V accounted for more than 30% of the MEFV pathogenic variants identified (Aksentijevich et al., 1999). Missense variants in the same residue (M694L/K/I) and in a nearby residue (K695M/R/N) have been reported in the Human Gene Mutation Database in association with (insert disease/syndrome) (Stenson et al., 2014), supporting the functional importance of this region of the protein.

NM_000243.3(MEFV):c.2080_2082delinsGTA (p.Met694Val)

Genes: MEFV (MEFV innate immunity regulator, pyrin; minus strand), LOC126862264 (CDK7 strongly-dependent group 2 enhancer GRCh37_chr16:3293322-3294521; plus strand). Cytogenetic location: 16p13.3.
Variant type: Indel.
Coding change: c.2080_2082delinsGTA on transcript NM_000243.3 (MANE Select); coding-DNA positions 2080 to 2082, ATG replaced by GTA.
Protein change: p.Met694Val; replaces methionine 694 with valine.
Molecular consequence: missense variant. On other transcripts: 3 prime UTR variant (1).
Genome position (GRCh38, 1-based): chr16:3,243,405-3,243,407, CAT replaced by TAC on the plus strand (ATG replaced by GTA on the coding strand, the reverse complement: MEFV is on the minus strand). VCF-style: chr16-3243405-CAT-TAC. GRCh37 (hg19) VCF-style: chr16-3293405-CAT-TAC.
Other names: c.*284_*286delinsGTA (NM_001198536.2); c.2080_2082delATGinsGTA (NM_000243.2); short protein forms M694V.
Identifiers: ClinVar variation 449657 (VCV000449657.1), dbSNP rs1555458284, ClinGen allele CA658656509.